The following is an entry in ClinVar:

NM_005477.3(HCN4):c.480G>T (p.Gln160His)

Gene: HCN4 (hyperpolarization activated cyclic nucleotide gated potassium channel 4; minus strand). Cytogenetic location: 15q24.1.
Variant type: single nucleotide variant.
Coding change: c.480G>T on transcript NM_005477.3 (MANE Select); coding-DNA position 480, G replaced by T.
Protein change: p.Gln160His; replaces glutamine 160 with histidine.
Molecular consequence: missense variant.
Genome position (GRCh38, 1-based): chr15:73,367,791, C>A on the plus strand (G>T on the coding strand, the complement: HCN4 is on the minus strand). VCF-style: chr15-73367791-C-A. GRCh37 (hg19) VCF-style: chr15-73660132-C-A.
Other names: short protein forms Q160H.
Identifiers: ClinVar variation 2896942 (VCV002896942.3), dbSNP rs2549080322, ClinGen allele CA393097893.

ClinVar aggregate classification (germline): Uncertain significance (1 of 4 stars; one submission).

Conditions:
Brugada syndrome 8 (BRGDA8). Identifiers: Orphanet 130, MedGen C2751083, MONDO:0013148, OMIM 613123.

Allele frequency attached by ClinVar (database versions not stated): gnomAD exomes below 0.00001.
gnomAD v4.1: 1 of 1,334,156 alleles (0.000075%); highest among the groups gnomAD compares: Non-Finnish European, 0.000095%; no homozygotes.

Submission:

Labcorp Genetics (formerly Invitae), Labcorp
Classification: Uncertain significance for Brugada syndrome 8. Last evaluated: 2024-09-17. Review status: criteria provided, single submitter. Criteria: Invitae Variant Classification Sherloc (09022015). Collection method: clinical testing. Allele origin: germline.
Comment: This sequence change replaces glutamine, which is neutral and polar, with histidine, which is basic and polar, at codon 160 of the HCN4 protein (p.Gln160His). This variant is not present in population databases (gnomAD no frequency). This variant has not been reported in the literature in individuals affected with HCN4-related conditions. Invitae Evidence Modeling of protein sequence and biophysical properties (such as structural, functional, and spatial information, amino acid conservation, physicochemical variation, residue mobility, and thermodynamic stability) indicates that this missense variant is not expected to disrupt HCN4 protein function with a negative predictive value of 95%. In summary, the available evidence is currently insufficient to determine the role of this variant in disease. Therefore, it has been classified as a Variant of Uncertain Significance.